The following is an entry in ClinVar:

NM_033026.6(PCLO):c.8311G>A (p.Val2771Ile)

Gene: PCLO (piccolo presynaptic cytomatrix protein; minus strand). Cytogenetic location: 7q21.11.
Variant type: single nucleotide variant.
Coding change: c.8311G>A on transcript NM_033026.6 (MANE Select); coding-DNA position 8311, G replaced by A.
Protein change: p.Val2771Ile; replaces valine 2771 with isoleucine.
Molecular consequence: missense variant.
Genome position (GRCh38, 1-based): chr7:82,952,642, C>T on the plus strand (G>A on the coding strand, the complement: PCLO is on the minus strand). VCF-style: chr7-82952642-C-T. GRCh37 (hg19) VCF-style: chr7-82581958-C-T.
Other names: c.8311G>A, p.Val2771Ile (NM_014510.3); short protein forms V2771I.
Identifiers: ClinVar variation 2888069 (VCV002888069.3), dbSNP rs191431145, ClinGen allele CA4320144.

ClinVar aggregate classification (germline): Uncertain significance (1 of 4 stars; one submission).

Allele frequency attached by ClinVar (database versions not stated): gnomAD 0.00002; TOPMed 0.00002; ExAC 0.00003; 1000 Genomes Project 30x 0.00016; 1000 Genomes Project 0.00020.
gnomAD v4.1: 8 of 1,613,920 alleles (0.0005%); highest among the groups gnomAD compares: East Asian, 0.016%; no homozygotes.

Submission:

Labcorp Genetics (formerly Invitae), Labcorp
Classification: Uncertain significance. Last evaluated: 2023-11-17. Review status: criteria provided, single submitter. Criteria: Invitae Variant Classification Sherloc (09022015). Collection method: clinical testing. Allele origin: germline.
Comment: This sequence change replaces valine, which is neutral and non-polar, with isoleucine, which is neutral and non-polar, at codon 2771 of the PCLO protein (p.Val2771Ile). This variant is present in population databases (rs191431145, gnomAD 0.03%). This variant has not been reported in the literature in individuals affected with PCLO-related conditions. Algorithms developed to predict the effect of missense changes on protein structure and function output the following: SIFT: "Not Available"; PolyPhen-2: "Not Available"; Align-GVGD: "Not Available". The isoleucine amino acid residue is found in multiple mammalian species, which suggests that this missense change does not adversely affect protein function. In summary, the available evidence is currently insufficient to determine the role of this variant in disease. Therefore, it has been classified as a Variant of Uncertain Significance.